The following is an entry in ClinVar:

ClinVar aggregate classification (germline): Uncertain significance (1 of 4 stars; one submission).

gnomAD v4.1: 44 of 1,360,210 alleles (0.0032%); highest among the groups gnomAD compares: South Asian, 0.073%; no homozygotes.

Submission:

Labcorp Genetics (formerly Invitae), Labcorp
Classification: Uncertain significance. Last evaluated: 2024-04-22. Review status: criteria provided, single submitter. Criteria: Invitae Variant Classification Sherloc (09022015). Collection method: clinical testing. Allele origin: germline.
Comment: This sequence change replaces proline, which is neutral and non-polar, with serine, which is neutral and polar, at codon 84 of the IRF2BP2 protein (p.Pro84Ser). This variant is present in population databases (rs759575894, gnomAD 0.3%). This variant has not been reported in the literature in individuals affected with IRF2BP2-related conditions. An algorithm developed to predict the effect of missense changes on protein structure and function (PolyPhen-2) suggests that this variant is likely to be disruptive. In summary, the available evidence is currently insufficient to determine the role of this variant in disease. Therefore, it has been classified as a Variant of Uncertain Significance.

NM_182972.3(IRF2BP2):c.250C>T (p.Pro84Ser)

Genes: IRF2BP2 (interferon regulatory factor 2 binding protein 2; minus strand), LOC129932812 (ATAC-STARR-seq lymphoblastoid silent region 1977; plus strand). Cytogenetic location: 1q42.3.
Variant type: single nucleotide variant.
Coding change: c.250C>T on transcript NM_182972.3 (MANE Select); coding-DNA position 250, C replaced by T.
Protein change: p.Pro84Ser; replaces proline 84 with serine.
Molecular consequence: missense variant.
Genome position (GRCh38, 1-based): chr1:234,609,245, G>A on the plus strand (C>T on the coding strand, the complement: IRF2BP2 is on the minus strand). VCF-style: chr1-234609245-G-A. GRCh37 (hg19) VCF-style: chr1-234744991-G-A.
Other names: c.250C>T, p.Pro84Ser (NM_001077397.1); short protein forms P84S.
Identifiers: ClinVar variation 3713082 (VCV003713082.2).